The following is an entry in ClinVar:

ClinVar aggregate classification (germline): Uncertain significance. Review status: criteria provided, multiple submitters, no conflicts (2 of 4 stars). 5 submissions from 5 submitters: Uncertain significance (5). Last evaluated 2026-04-30.

Conditions:
Inborn genetic diseases. Identifiers: MedGen C0950123, MeSH D030342.
Nephronophthisis 9 (NPHP9). Identifiers: Orphanet 655, MedGen C3151188, MONDO:0013444, OMIM 613824.
Renal-hepatic-pancreatic dysplasia 2 (RHPD2). Identifiers: MedGen C3809434, MONDO:0014174, OMIM 615415.

Allele frequency attached by ClinVar (database versions not stated): gnomAD exomes 0.00004 and 0.00013; gnomAD 0.00005 and 0.00006; TOPMed 0.00005; ExAC 0.00002.
gnomAD v4.1: 197 of 1,614,070 alleles (0.012%); highest among the groups gnomAD compares: Non-Finnish European, 0.016%; no homozygotes.

Submissions (5):

GeneDx
Classification: Uncertain significance. Last evaluated: 2026-04-30. Review status: criteria provided, single submitter. Criteria: GeneDx Variant Classification Process June 2021. Collection method: clinical testing. Allele origin: germline.
Comment: In silico analysis supports that this missense variant does not alter protein structure/function; Has not been previously published as pathogenic or benign to our knowledge

Labcorp Genetics (formerly Invitae), Labcorp
Classification: Uncertain significance for Nephronophthisis 9. Last evaluated: 2025-08-29. Review status: criteria provided, single submitter. Criteria: Invitae Variant Classification Sherloc (09022015). Collection method: clinical testing. Allele origin: germline.
Comment: This sequence change replaces isoleucine, which is neutral and non-polar, with methionine, which is neutral and non-polar, at codon 393 of the NEK8 protein (p.Ile393Met). The frequency data for this variant in the population databases is considered unreliable, as metrics indicate poor data quality at this position in the gnomAD database. This variant has not been reported in the literature in individuals affected with NEK8-related conditions. ClinVar contains an entry for this variant (Variation ID: 322482). An algorithm developed to predict the effect of missense changes on protein structure and function (PolyPhen-2) suggests that this variant is likely to be disruptive. In summary, the available evidence is currently insufficient to determine the role of this variant in disease. Therefore, it has been classified as a Variant of Uncertain Significance.

Ambry Genetics
Classification: Uncertain significance for Inborn genetic diseases. Last evaluated: 2024-05-28. Review status: criteria provided, single submitter. Criteria: Ambry Variant Classification Scheme 2023. Collection method: clinical testing. Allele origin: germline.

Fulgent Genetics
Classification: Uncertain significance for Nephronophthisis 9; Renal-hepatic-pancreatic dysplasia 2. Last evaluated: 2022-01-17. Review status: criteria provided, single submitter. Criteria: ACMG Guidelines, 2015. Collection method: clinical testing. Allele origin: unknown.

Illumina Laboratory Services, Illumina
Classification: Uncertain significance for Nephronophthisis 9. Last evaluated: 2018-01-12. Review status: criteria provided, single submitter. Criteria: ICSL Variant Classification Criteria 13 December 2019. Collection method: clinical testing. Allele origin: germline.

NM_178170.3(NEK8):c.1179C>G (p.Ile393Met)

Gene: NEK8 (NIMA related kinase 8; plus strand). Cytogenetic location: 17q11.2.
Variant type: single nucleotide variant.
Coding change: c.1179C>G on transcript NM_178170.3 (MANE Select); coding-DNA position 1179, C replaced by G.
Protein change: p.Ile393Met; replaces isoleucine 393 with methionine.
Molecular consequence: missense variant.
Genome position (GRCh38, 1-based): chr17:28,738,202, C>G. VCF-style: chr17-28738202-C-G. GRCh37 (hg19) VCF-style: chr17-27065220-C-G.
Other names: short protein forms I393M.
Identifiers: ClinVar variation 322482 (VCV000322482.10), dbSNP rs775138270, ClinGen allele CA8467330.